The following is an entry in ClinVar:

NM_001376.5(DYNC1H1):c.1804C>T (p.Arg602Cys)

Gene: DYNC1H1 (dynein cytoplasmic 1 heavy chain 1; plus strand). Cytogenetic location: 14q32.31.
Variant type: single nucleotide variant.
Coding change: c.1804C>T on transcript NM_001376.5 (MANE Select); coding-DNA position 1804, C replaced by T.
Protein change: p.Arg602Cys; replaces arginine 602 with cysteine.
Molecular consequence: missense variant.
Genome position (GRCh38, 1-based): chr14:101,986,029, C>T. VCF-style: chr14-101986029-C-T. GRCh37 (hg19) VCF-style: chr14-102452366-C-T.
Other names: short protein forms R602C.
Identifiers: ClinVar variation 2713397 (VCV002713397.5), dbSNP rs763005275, ClinGen allele CA7351735.

ClinVar aggregate classification (germline): Uncertain significance. Review status: criteria provided, multiple submitters, no conflicts (2 of 4 stars). 3 submissions from 3 submitters: Uncertain significance (3). Last evaluated 2025-12-18.

Conditions:
Charcot-Marie-Tooth disease axonal type 2O. Also called: CHARCOT-MARIE-TOOTH NEUROPATHY, AXONAL, TYPE 2O; CHARCOT-MARIE-TOOTH DISEASE, AXONAL, AUTOSOMAL DOMINANT, TYPE 2O; Charcot-Marie-Tooth Neuropathy Type 2O; Charcot-Marie-Tooth disease, axonal, type 20. Identifiers: Orphanet 284232, MedGen C3280220, MONDO:0013644, OMIM 614228.
DYNC1H1-related disorder. Also called: DYNC1H1-related condition; DYNC1H1-related disorders. Identifiers: MedGen CN381529.
Inborn genetic diseases. Identifiers: MedGen C0950123, MeSH D030342.

Allele frequency attached by ClinVar (database versions not stated): gnomAD exomes below 0.00001; TOPMed below 0.00001; gnomAD 0.00001; ExAC 0.00002.
gnomAD v4.1: 9 of 1,614,074 alleles (0.00056%); highest among the groups gnomAD compares: Non-Finnish European, 0.00034%; no homozygotes.

Submissions (3):

PreventionGenetics, part of Exact Sciences
Classification: Uncertain significance for DYNC1H1-related condition. Last evaluated: 2025-12-18. Review status: criteria provided, single submitter. Criteria: ACMG Guidelines, 2015. Collection method: clinical testing. Allele origin: germline.
Comment: The DYNC1H1 c.1804C>T variant is predicted to result in the amino acid substitution p.Arg602Cys. To our knowledge, this variant has not been reported in the literature. This variant is reported in 0.014% of alleles in individuals of European (Finnish) descent in gnomAD. At this time, the clinical significance of this variant is uncertain due to the absence of conclusive functional and genetic evidence.

Ambry Genetics
Classification: Uncertain significance for Inborn genetic diseases. Last evaluated: 2023-12-11. Review status: criteria provided, single submitter. Criteria: Ambry Variant Classification Scheme 2023. Collection method: clinical testing. Allele origin: germline.
Comment: The c.1804C>T (p.R602C) alteration is located in coding exon 8 of the DYNC1H1 gene. This alteration results from a C to T substitution at nucleotide position 1804, causing the arginine (R) at amino acid position 602 to be replaced by a cysteine (C). Based on data from gnomAD, the T allele has an overall frequency of 0.002% (4/250868) total alleles studied. The highest observed frequency was 0.014% (3/21640) of European (Finnish) alleles. This amino acid position is highly conserved in available vertebrate species. This alteration is predicted to be deleterious by in silico analysis. Based on insufficient or conflicting evidence, the clinical significance of this alteration remains unclear.

Labcorp Genetics (formerly Invitae), Labcorp
Classification: Uncertain significance for Charcot-Marie-Tooth disease axonal type 2O. Last evaluated: 2023-10-09. Review status: criteria provided, single submitter. Criteria: Invitae Variant Classification Sherloc (09022015). Collection method: clinical testing. Allele origin: germline.
Comment: This sequence change replaces arginine, which is basic and polar, with cysteine, which is neutral and slightly polar, at codon 602 of the DYNC1H1 protein (p.Arg602Cys). This variant is present in population databases (rs763005275, gnomAD 0.009%). This variant has not been reported in the literature in individuals affected with DYNC1H1-related conditions. Advanced modeling of protein sequence and biophysical properties (such as structural, functional, and spatial information, amino acid conservation, physicochemical variation, residue mobility, and thermodynamic stability) performed at Invitae indicates that this missense variant is expected to disrupt DYNC1H1 protein function. In summary, the available evidence is currently insufficient to determine the role of this variant in disease. Therefore, it has been classified as a Variant of Uncertain Significance.